The following is an entry in ClinVar:

ClinVar aggregate classification (germline): Uncertain significance (1 of 4 stars; one submission).

Conditions:
Hereditary spastic paraplegia 30. Identifiers: Orphanet 101010, MedGen C5235139, MONDO:0012476.
Neuropathy, hereditary sensory, type 2C. Also called: Hereditary sensory and autonomic neuropathy type IIC; KIF1A-Related HSAN2 (HSAN2C). Identifiers: Orphanet 970, MedGen C3280168, MONDO:0013634, OMIM 614213.
Intellectual disability, autosomal dominant 9 (NESCAVS). Also called: NESCAV SYNDROME; KIF1A-Related Neurodevelopmental Disorder. Identifiers: Orphanet 662367, MedGen C5393830, MONDO:0013656, OMIM 614255.

Submission:

Labcorp Genetics (formerly Invitae), Labcorp
Classification: Uncertain significance for Hereditary spastic paraplegia 30; Neuropathy, hereditary sensory, type 2C; Intellectual disability, autosomal dominant 9. Last evaluated: 2022-11-10. Review status: criteria provided, single submitter. Criteria: Invitae Variant Classification Sherloc (09022015). Collection method: clinical testing. Allele origin: germline.
Comment: This sequence change replaces valine, which is neutral and non-polar, with alanine, which is neutral and non-polar, at codon 73 of the KIF1A protein (p.Val73Ala). This variant is not present in population databases (gnomAD no frequency). This variant has not been reported in the literature in individuals affected with KIF1A-related conditions. ClinVar contains an entry for this variant (Variation ID: 1521480). Advanced modeling of protein sequence and biophysical properties (such as structural, functional, and spatial information, amino acid conservation, physicochemical variation, residue mobility, and thermodynamic stability) performed at Invitae indicates that this missense variant is expected to disrupt KIF1A protein function. In summary, the available evidence is currently insufficient to determine the role of this variant in disease. Therefore, it has been classified as a Variant of Uncertain Significance.

NM_001244008.2(KIF1A):c.218T>C (p.Val73Ala)

Gene: KIF1A (kinesin family member 1A; minus strand). Cytogenetic location: 2q37.3.
Variant type: single nucleotide variant.
Coding change: c.218T>C on transcript NM_001244008.2 (MANE Select); coding-DNA position 218, T replaced by C.
Protein change: p.Val73Ala; replaces valine 73 with alanine.
Molecular consequence: missense variant.
Genome position (GRCh38, 1-based): chr2:240,788,196, A>G on the plus strand (T>C on the coding strand, the complement: KIF1A is on the minus strand). VCF-style: chr2-240788196-A-G. GRCh37 (hg19) VCF-style: chr2-241727613-A-G.
Other names: c.218T>C, p.Val73Ala (NM_001320705.2, NM_001330289.2, NM_001330290.2 and 20 more transcripts); short protein forms V73A.
Identifiers: ClinVar variation 1521480 (VCV001521480.8), dbSNP rs2126092219, ClinGen allele CA351310899.